The following is an entry in ClinVar:

NM_001983.4(ERCC1):c.208G>T (p.Glu70Ter)

Gene: ERCC1 (ERCC excision repair 1, endonuclease non-catalytic subunit; minus strand). Cytogenetic location: 19q13.32.
Variant type: single nucleotide variant.
Coding change: c.208G>T on transcript NM_001983.4 (MANE Select); coding-DNA position 208, G replaced by T.
Protein change: p.Glu70Ter; replaces glutamic acid 70 with a stop codon.
Molecular consequence: nonsense.
Genome position (GRCh38, 1-based): chr19:45,421,291, C>A on the plus strand (G>T on the coding strand, the complement: ERCC1 is on the minus strand). VCF-style: chr19-45421291-C-A. GRCh37 (hg19) VCF-style: chr19-45924549-C-A.
Other names: c.208G>T, p.Glu70Ter (NM_001166049.2, NM_001369408.1, NM_001369409.1 and 11 more transcripts); short protein forms E70*.
Identifiers: ClinVar variation 4731585 (VCV004731585.1).
Genomic context (GRCh38, chr19:45,421,291, plus strand): 5'-GGTTGGGCGTCTCTCCTGCCAGGGGCTCTGACCCTGTGGGGCACGTGGCCCCAGCCCCTT[C>A]CAGAGGCTGTGAGATGGCATATTCGGCGTAGGTCTGAGGGGCCGCCTGGGCCGAGGTGTC-3'

ClinVar aggregate classification (germline): Pathogenic (1 of 4 stars; one submission).

Submission:

Labcorp Genetics (formerly Invitae), Labcorp
Classification: Pathogenic. Last evaluated: 2025-11-26. Review status: criteria provided, single submitter. Criteria: Invitae Variant Classification Sherloc (09022015). Collection method: clinical testing. Allele origin: germline.
Comment: This sequence change creates a premature translational stop signal (p.Glu70*) in the ERCC1 gene. It is expected to result in an absent or disrupted protein product. Loss-of-function variants in ERCC1 are known to be pathogenic (PMID: 17273966, 23623389, 33315086). This variant is not present in population databases (gnomAD no frequency). This variant has not been reported in the literature in individuals affected with ERCC1-related conditions. For these reasons, this variant has been classified as Pathogenic.

Literature cited by the submitters: PubMed 17273966; PubMed 23623389; PubMed 33315086.